The following is an entry in ClinVar:

ClinVar aggregate classification (germline): Uncertain significance (1 of 4 stars; one submission).

Conditions:
Hereditary cancer-predisposing syndrome. Also called: Tumor predisposition; Hereditary neoplastic syndrome; Hereditary Cancer Syndrome; Neoplastic Syndromes, Hereditary. Identifiers: Orphanet 140162, MedGen C0027672, MeSH D009386, MONDO:0015356.

Submission:

Ambry Genetics
Classification: Uncertain significance for Hereditary cancer-predisposing syndrome. Last evaluated: 2025-04-03. Review status: criteria provided, single submitter. Criteria: Ambry Variant Classification Scheme 2023. Collection method: clinical testing. Allele origin: germline.
Comment: The p.C798S variant (also known as c.2392T>A), located in coding exon 14 of the PMS2 gene, results from a T to A substitution at nucleotide position 2392. The cysteine at codon 798 is replaced by serine, an amino acid with dissimilar properties. This amino acid position is conserved. In addition, this alteration is predicted to be deleterious by in silico analysis. Based on the available evidence, the clinical significance of this variant remains unclear.

NM_000535.7(PMS2):c.2392T>A (p.Cys798Ser)

Gene: PMS2 (PMS1 homolog 2, mismatch repair system component; minus strand). Cytogenetic location: 7p22.1.
Variant type: single nucleotide variant.
Coding change: c.2392T>A on transcript NM_000535.7 (MANE Select); coding-DNA position 2392, T replaced by A.
Protein change: p.Cys798Ser; replaces cysteine 798 with serine.
Molecular consequence: missense variant. On other transcripts: non-coding transcript variant (1).
Genome position (GRCh38, 1-based): chr7:5,977,641, A>T on the plus strand (T>A on the coding strand, the complement: PMS2 is on the minus strand). VCF-style: chr7-5977641-A-T. GRCh37 (hg19) VCF-style: chr7-6017272-A-T.
Other names: c.2116T>A, p.Cys706Ser (NM_001406875.1); c.2107T>A, p.Cys703Ser (NM_001406876.1); c.2083T>A, p.Cys695Ser (NM_001406877.1, NM_001406878.1, NM_001406879.1 and 4 more transcripts); c.2074T>A, p.Cys692Ser (NM_001406883.1, NM_001322007.2, NM_001322008.2); c.2068T>A, p.Cys690Ser (NM_001406884.1); c.1987T>A, p.Cys663Ser (NM_001406894.1, NM_001406895.1, NM_001406896.1 and 11 more transcripts); c.1927T>A, p.Cys643Ser (NM_001406900.1); c.1918T>A, p.Cys640Ser (NM_001406901.1, NM_001406902.1); and 20 more; short protein forms C397S, C611S, C636S, C640S, C692S, C695S, C703S, C706S.
Identifiers: ClinVar variation 3935118 (VCV003935118.1).